The following is an entry in ClinVar:

ClinVar aggregate classification (germline): Likely benign. Review status: criteria provided, multiple submitters, no conflicts (2 of 4 stars). 4 submissions from 3 submitters: Likely benign (4). Last evaluated 2026-01-12.

Conditions:
Developmental and epileptic encephalopathy, 14 (DEE14). Also called: Early infantile epileptic encephalopathy 14. Identifiers: Orphanet 293181, MedGen C3554195, MONDO:0013989, OMIM 614959.
Autosomal dominant nocturnal frontal lobe epilepsy 5. Also called: CILIARY DYSKINESIA, PRIMARY, 28, WITH SITUS INVERSUS; Epilepsy, nocturnal frontal lobe, 5; CILIARY DYSKINESIA, PRIMARY, 28, WITHOUT SITUS INVERSUS; KCNT1-Related Epilepsy. Identifiers: Orphanet 98784, MedGen C3554306, MONDO:0014002, OMIM 615005.

Submissions (4):

Labcorp Genetics (formerly Invitae), Labcorp
Classification: Likely benign for Autosomal dominant nocturnal frontal lobe epilepsy 5; Developmental and epileptic encephalopathy, 14. Last evaluated: 2026-01-12. Review status: criteria provided, single submitter. Criteria: Invitae Variant Classification Sherloc (09022015). Collection method: clinical testing. Allele origin: germline.

Genome-Nilou Lab
Classification: Likely benign for Developmental and epileptic encephalopathy, 14. Last evaluated: 2022-03-15. Review status: criteria provided, single submitter. Criteria: ACMG Guidelines, 2015. Collection method: clinical testing. Allele origin: germline. Affected: no.

Genome-Nilou Lab
Classification: Likely benign for Autosomal dominant nocturnal frontal lobe epilepsy 5. Last evaluated: 2022-03-15. Review status: criteria provided, single submitter. Criteria: ACMG Guidelines, 2015. Collection method: clinical testing. Allele origin: germline. Affected: no.

GeneDx
Classification: Likely benign. Last evaluated: 2017-03-07. Review status: criteria provided, single submitter. Criteria: GeneDx Variant Classification (06012015). Collection method: clinical testing. Allele origin: germline. Affected: yes.
Comment: This variant is considered likely benign or benign based on one or more of the following criteria: it is a conservative change, it occurs at a poorly conserved position in the protein, it is predicted to be benign by multiple in silico algorithms, and/or has population frequency not consistent with disease.

NM_020822.3(KCNT1):c.3027+18_3027+22del

Gene: KCNT1 (potassium sodium-activated channel subfamily T member 1; plus strand). Cytogenetic location: 9q34.3.
Variant type: Deletion.
Coding change: c.3027+18_3027+22del on transcript NM_020822.3 (MANE Select); bases 18 to 22 of the intron after coding-DNA position 3027, 5 bases deleted (CGCTG; older notation c.3027+18_3027+22delCGCTG).
Molecular consequence: intron variant.
Genome position (GRCh38, 1-based): chr9:135,784,636-135,784,640, CGCTG deleted; deleting any 5 consecutive bases within chr9:135,784,632-135,784,640 gives the same sequence; the c. name uses the placement nearest the transcript's 3' end. VCF-style (leftmost placement, unchanged base first): chr9-135784631-GGCTGC-G. GRCh37 (hg19) VCF-style: chr9-138676477-GGCTGC-G.
Other names: c.2892+18_2892+22del (NM_001272003.2); c.3027+18_3027+22delCGCTG (NM_020822.2).
Identifiers: ClinVar variation 420604 (VCV000420604.10), dbSNP rs778352896, ClinGen allele CA5327570.
Genomic context (GRCh38, chr9:135,784,631, plus strand): 5'-CTGCTGCTGGGCCTGGACACCACGCCGGGCTCGGGGTACCTCTGTGCCGTAAGTGCCCCT[GGCTGC>G]GCTGGGCTGGGGGCGTGCTGGGCTGTCCAAGTGGGTGGATGGGCACCTGCCCCTGATTCA-3'